The following is an entry in ClinVar:

ClinVar aggregate classification (germline): Benign (1 of 4 stars; one submission).

Allele frequency attached by ClinVar (database versions not stated): TOPMed 0.00104; gnomAD 0.00105; 1000 Genomes Project 0.00060; 1000 Genomes Project 30x 0.00094.
gnomAD v4.1: 166 of 152,306 alleles (0.11%); highest among the groups gnomAD compares: Non-Finnish European, 0.18%; no homozygotes.

Submission:

CeGaT Center for Human Genetics Tuebingen
Classification: Benign. Last evaluated: 2022-08-01. Review status: criteria provided, single submitter. Criteria: CeGaT Center For Human Genetics Tuebingen Variant Classification Criteria Version 2. Collection method: clinical testing. Allele origin: germline. Affected: yes. Observed: 1 variant allele.
Comment: NTRK2: BS1, BS2

NM_006180.6(NTRK2):c.2173-2799T>C

Gene: NTRK2 (neurotrophic receptor tyrosine kinase 2; plus strand). Cytogenetic location: 9q21.33.
Variant type: single nucleotide variant.
Coding change: c.2173-2799T>C on transcript NM_006180.6 (MANE Select); 2799 bases into the intron before coding-DNA position 2173, T replaced by C.
Molecular consequence: intron variant.
Genome position (GRCh38, 1-based): chr9:85,017,407, T>C. VCF-style: chr9-85017407-T-C. GRCh37 (hg19) VCF-style: chr9-87632322-T-C.
Other names: c.2125-2799T>C (NM_001369532.1, NM_001369533.1, NM_001018064.3); c.2089-2799T>C (NM_001369534.1); c.1705-2799T>C (NM_001369536.1); c.1657-2799T>C (NM_001369535.1).
Identifiers: ClinVar variation 2659285 (VCV002659285.24), dbSNP rs567467223, ClinGen allele CA195830045.